The following is an entry in ClinVar:

ClinVar aggregate classification (germline): Uncertain significance (1 of 4 stars; one submission).

gnomAD v4.1: 1 of 1,613,854 alleles (0.000062%); highest among the groups gnomAD compares: Non-Finnish European, 0.000085%; no homozygotes.

Submission:

Labcorp Genetics (formerly Invitae), Labcorp
Classification: Uncertain significance. Last evaluated: 2023-10-22. Review status: criteria provided, single submitter. Criteria: Invitae Variant Classification Sherloc (09022015). Collection method: clinical testing. Allele origin: germline.
Comment: This sequence change creates a premature translational stop signal (p.Tyr373*) in the P2RX2 gene. While this is not anticipated to result in nonsense mediated decay, it is expected to disrupt the last 32 amino acid(s) of the P2RX2 protein. This variant is not present in population databases (gnomAD no frequency). This variant has not been reported in the literature in individuals affected with P2RX2-related conditions. Experimental studies and prediction algorithms are not available or were not evaluated, and the functional significance of this variant is currently unknown. Algorithms developed to predict the effect of sequence changes on RNA splicing suggest that this variant may disrupt the consensus splice site. In summary, the available evidence is currently insufficient to determine the role of this variant in disease. Therefore, it has been classified as a Variant of Uncertain Significance.

NM_170682.4(P2RX2):c.1119C>G (p.Tyr373Ter)

Gene: P2RX2 (purinergic receptor P2X 2; plus strand). Cytogenetic location: 12q24.33.
Variant type: single nucleotide variant.
Coding change: c.1119C>G on transcript NM_170682.4 (MANE Select); coding-DNA position 1119, C replaced by G.
Protein change: p.Tyr373Ter; replaces tyrosine 373 with a stop codon.
Molecular consequence: nonsense. On other transcripts: 3 prime UTR variant (1).
Genome position (GRCh38, 1-based): chr12:132,621,675, C>G. VCF-style: chr12-132621675-C-G. GRCh37 (hg19) VCF-style: chr12-133198261-C-G.
Other names: c.1017C>G, p.Tyr339Ter (NM_001282164.2); c.*166C>G (NM_001282165.2); c.903C>G, p.Tyr301Ter (NM_012226.5); c.1047C>G, p.Tyr349Ter (NM_016318.4); c.1197C>G, p.Tyr399Ter (NM_170683.4); c.843C>G, p.Tyr281Ter (NM_174872.3); c.1119C>G, p.Tyr373Ter (NM_174873.3); short protein forms Y349*, Y281*, Y373*, Y301*, Y339*, Y399*.
Identifiers: ClinVar variation 2770749 (VCV002770749.3), dbSNP rs2541811512, ClinGen allele CA387363164.